The following is an entry in ClinVar:

NM_001082.5(CYP4F2):c.1115+10G>A

Gene: CYP4F2 (cytochrome P450 family 4 subfamily F member 2; minus strand). Cytogenetic location: 19p13.12.
Variant type: single nucleotide variant.
Coding change: c.1115+10G>A on transcript NM_001082.5 (MANE Select); 10 bases into the intron after coding-DNA position 1115, G replaced by A.
Molecular consequence: intron variant.
Genome position (GRCh38, 1-based): chr19:15,885,914, C>T on the plus strand (G>A on the coding strand, the complement: CYP4F2 is on the minus strand). VCF-style: chr19-15885914-C-T. GRCh37 (hg19) VCF-style: chr19-15996724-C-T.
Identifiers: ClinVar variation 771214 (VCV000771214.6), dbSNP rs3093161, ClinGen allele CA9273770.
Genomic context (GRCh38, chr19:15,885,914, plus strand): 5'-TCCCCTCCCCACCTGGGGAGCAGAGCCAATGAGAAGGTCTCAGGAAGAGGCCACAAGCAC[C>T]TGCACTCACCATTCAATCTCTTTAGGCTCACGGTCCTTCAGAAGTTCTTGCACCTCCTGC-3'

ClinVar aggregate classification (germline): Benign. Review status: criteria provided, multiple submitters, no conflicts (2 of 4 stars). 3 submissions from 3 submitters: Benign (2). 1 of the submissions does not count toward it. Last evaluated 2018-07-23.

Conditions:
CYP4F2-related disorder. Also called: CYP4F2-related condition.

Allele frequency attached by ClinVar (database versions not stated): gnomAD exomes 0.00320 and 0.00774; ExAC 0.00936; gnomAD 0.02223 and 0.02370; TOPMed 0.02487; 1000 Genomes Project 0.02636; 1000 Genomes Project 30x 0.02733; ESP Exome Variant Server 0.02737.
gnomAD v4.1: 8,321 of 1,612,376 alleles (0.52%); highest among the groups gnomAD compares: African/African-American, 7.7%; 276 homozygotes.

Submissions (3):

Labcorp Genetics (formerly Invitae), Labcorp
Classification: Benign. Last evaluated: 2018-07-23. Review status: criteria provided, single submitter. Criteria: Invitae Variant Classification Sherloc (09022015). Collection method: clinical testing. Allele origin: germline.

Breakthrough Genomics
Classification: Benign. Review status: criteria provided, single submitter. Criteria: ACMG Guidelines, 2015. Collection method: not provided. Allele origin: germline. Inheritance: Unknown mechanism. Affected: yes.

PreventionGenetics, part of Exact Sciences
Classification: Benign for CYP4F2-related condition. Last evaluated: 2019-07-12. Review status: no assertion criteria provided. Collection method: clinical testing. Allele origin: germline. Not counted in ClinVar's aggregate classification.
Comment: This variant is classified as benign based on ACMG/AMP sequence variant interpretation guidelines (Richards et al. 2015 PMID: 25741868, with internal and published modifications).